The following is an entry in ClinVar:

ClinVar aggregate classification (germline): Uncertain significance (1 of 4 stars; one submission).

Submission:

GeneDx
Classification: Uncertain significance. Last evaluated: 2024-07-02. Review status: criteria provided, single submitter. Criteria: GeneDx Variant Classification Process June 2021. Collection method: clinical testing. Allele origin: germline. Affected: yes.
Comment: Not observed at significant frequency in large population cohorts (gnomAD); In silico analysis indicates that this missense variant does not alter protein structure/function; Has not been previously published as pathogenic or benign to our knowledge

NM_152594.3(SPRED1):c.658T>C (p.Cys220Arg)

Gene: SPRED1 (sprouty related EVH1 domain containing 1; plus strand). Cytogenetic location: 15q14.
Variant type: single nucleotide variant.
Coding change: c.658T>C on transcript NM_152594.3 (MANE Select); coding-DNA position 658, T replaced by C.
Protein change: p.Cys220Arg; replaces cysteine 220 with arginine.
Molecular consequence: missense variant.
Genome position (GRCh38, 1-based): chr15:38,349,497, T>C. VCF-style: chr15-38349497-T-C. GRCh37 (hg19) VCF-style: chr15-38641698-T-C.
Other names: short protein forms C220R.
Identifiers: ClinVar variation 3393838 (VCV003393838.1).